The following is an entry in ClinVar:

ClinVar aggregate classification (germline): Uncertain significance. Review status: criteria provided, multiple submitters, no conflicts (2 of 4 stars). 2 submissions from 2 submitters: Uncertain significance (2). Last evaluated 2025-07-15.

Allele frequency attached by ClinVar (database versions not stated): gnomAD exomes below 0.00001; TOPMed 0.00001.

Submissions (2):

Ambry Genetics
Classification: Uncertain significance. Last evaluated: 2025-07-15. Review status: criteria provided, single submitter. Criteria: Ambry Variant Classification Scheme 2023. Collection method: clinical testing. Allele origin: germline.

Labcorp Genetics (formerly Invitae), Labcorp
Classification: Uncertain significance. Last evaluated: 2022-11-01. Review status: criteria provided, single submitter. Criteria: Invitae Variant Classification Sherloc (09022015). Collection method: clinical testing. Allele origin: germline.
Comment: Algorithms developed to predict the effect of missense changes on protein structure and function output the following: SIFT: "Deleterious"; PolyPhen-2: "Benign"; Align-GVGD: "Class C0". The glutamine amino acid residue is found in multiple mammalian species, which suggests that this missense change does not adversely affect protein function. In summary, the available evidence is currently insufficient to determine the role of this variant in disease. Therefore, it has been classified as a Variant of Uncertain Significance. This sequence change replaces arginine, which is basic and polar, with glutamine, which is neutral and polar, at codon 135 of the NDUFB9 protein (p.Arg135Gln). This variant is present in population databases (rs773114715, gnomAD 0.003%). This variant has not been reported in the literature in individuals affected with NDUFB9-related conditions.

NM_005005.3(NDUFB9):c.404G>A (p.Arg135Gln)

Gene: NDUFB9 (NADH:ubiquinone oxidoreductase subunit B9; plus strand). Cytogenetic location: 8q24.13.
Variant type: single nucleotide variant.
Coding change: c.404G>A on transcript NM_005005.3 (MANE Select); coding-DNA position 404, G replaced by A.
Protein change: p.Arg135Gln; replaces arginine 135 with glutamine.
Molecular consequence: missense variant.
Genome position (GRCh38, 1-based): chr8:124,547,109, G>A. VCF-style: chr8-124547109-G-A. GRCh37 (hg19) VCF-style: chr8-125559350-G-A.
Other names: c.404G>A (NM_005005.2); c.236G>A, p.Arg79Gln (NM_001278645.2); c.275G>A, p.Arg92Gln (NM_001278646.2); c.371G>A, p.Arg124Gln (NM_001311168.2); short protein forms R135Q, R124Q, R79Q, R92Q.
Identifiers: ClinVar variation 2131704 (VCV002131704.5), dbSNP rs773114715, ClinGen allele CA4871548.
Genomic context (GRCh38, chr8:124,547,109, plus strand): 5'-ATCCTGATTACTTTGCCAAGAGAGAACAGTGGAAGAAACTGCGGAGGGAAAGCTGGGAAC[G>A]AGAGGTGCGTTCTACTTGTACTTCGTTATTCCTTAGCTATGTAGATGGAGTGAAGTTTTG-3'
Protein context (NP_004996.1, residues 125-145): WKKLRRESWE[Arg135Gln]EVKQLQEETP